The following is an entry in ClinVar:

ClinVar aggregate classification (germline): Uncertain significance. Review status: criteria provided, multiple submitters, no conflicts (2 of 4 stars). 3 submissions from 3 submitters: Uncertain significance (3). Last evaluated 2025-05-27.

Conditions:
Hereditary cancer-predisposing syndrome. Also called: Neoplastic Syndromes, Hereditary; Hereditary neoplastic syndrome; Tumor predisposition; Hereditary Cancer Syndrome. Identifiers: Orphanet 140162, MedGen C0027672, MeSH D009386, MONDO:0015356.

Submissions (3):

Labcorp Genetics (formerly Invitae), Labcorp
Classification: Uncertain significance. Last evaluated: 2025-05-27. Review status: criteria provided, single submitter. Criteria: Invitae Variant Classification Sherloc (09022015). Collection method: clinical testing. Allele origin: germline.
Comment: This variant, c.62_67del, results in the deletion of 2 amino acid(s) of the NTHL1 protein (p.Arg21_Ser22del), but otherwise preserves the integrity of the reading frame. This variant is not present in population databases (gnomAD no frequency). This variant has not been reported in the literature in individuals affected with NTHL1-related conditions. Experimental studies and prediction algorithms are not available or were not evaluated, and the functional significance of this variant is currently unknown. In summary, the available evidence is currently insufficient to determine the role of this variant in disease. Therefore, it has been classified as a Variant of Uncertain Significance.

Ambry Genetics
Classification: Uncertain significance for Hereditary cancer-predisposing syndrome. Last evaluated: 2025-01-08. Review status: criteria provided, single submitter. Criteria: Ambry Variant Classification Scheme 2023. Collection method: clinical testing. Allele origin: germline.
Comment: The c.62_67delGGAGCC variant (also known as p.R21_S22del) is located in coding exon 1 of the NTHL1 gene. This variant results from an in-frame GGAGCC deletion at nucleotide positions 62 to 67. This results in the in-frame deletion of two amino acids (RS) at codons 21 and 22. These amino acid positions are not well conserved in available vertebrate species. In addition, the in silico prediction for this alteration is inconclusive (Choi Y et al. PLoS ONE. 2012; 7(10):e46688). Based on the available evidence, the clinical significance of this variant remains unclear.

Sema4
Classification: Uncertain significance for Hereditary cancer-predisposing syndrome. Last evaluated: 2021-11-18. Review status: criteria provided, single submitter. Criteria: Sema4 Curation Guidelines. Collection method: curation. Allele origin: germline.
Comment: The NTHL1 c.62_67delGGAGCC (p.R21_S22del) variant has not been reported in the literature to our knowledge. This variant is not reported in the large and broad cohorts of the Genome Aggregation Database (PMID: 32461654). This variant has not been reported in ClinVar. The overall evidence is insufficient to meet ACMG/AMP criteria for classifying it as benign or pathogenic. In summary, the clinical significance of this variant is currently uncertain.

NM_002528.7(NTHL1):c.32GGAGCC[1] (p.11RS[1])

Gene: NTHL1 (nth like DNA glycosylase 1; minus strand). Cytogenetic location: 16p13.3.
Variant type: Microsatellite.
Coding change: c.32GGAGCC[1] on transcript NM_002528.7 (MANE Select); one copy of the 6-base unit GGAGCC starting at c.32; the reference has two copies in a row; one copy, 6 bases deleted.
Protein change: p.11RS[1].
Molecular consequence: inframe deletion. On other transcripts: 5 prime UTR variant (1).
Genome position (GRCh38, 1-based): chr16:2,047,781-2,047,786, GGCTCC deleted on the plus strand (GGAGCC on the coding strand, the reverse complement: NTHL1 is on the minus strand); deleting any 6 consecutive bases within chr16:2,047,781-2,047,794 gives the same sequence; the position shown is the placement nearest the transcript's 3' end. VCF-style (leftmost placement, unchanged base first): chr16-2047780-AGGCTCC-A. GRCh37 (hg19) VCF-style: chr16-2097781-AGGCTCC-A.
Other names: c.32GGAGCC[1], p.11RS[1] (NM_001318193.2); c.-147GGAGCC[1] (NM_001318194.2).
Identifiers: ClinVar variation 1396373 (VCV001396373.8), dbSNP rs2084525681, ClinGen allele CA2201989336.